The following is an entry in ClinVar:

ClinVar aggregate classification (germline): Conflicting classifications of pathogenicity. Review status: criteria provided, conflicting classifications (1 of 4 stars). 9 submissions from 7 submitters: Uncertain significance (8); Likely benign (1). Last evaluated 2026-06-09.

Conditions:
Hereditary cancer-predisposing syndrome. Also called: Neoplastic Syndromes, Hereditary; Hereditary Cancer Syndrome; Tumor predisposition; Hereditary neoplastic syndrome. Identifiers: Orphanet 140162, MedGen C0027672, MeSH D009386, MONDO:0015356.
SDHA-related disorder. Also called: SDHA-related disorders; SDHA-related condition.
Pheochromocytoma/paraganglioma syndrome 5. Also called: Paragangliomas 5; SDHA-Related Hereditary Paraganglioma-Pheochromocytoma Syndrome. Identifiers: Orphanet 29072, MedGen C3279992, MONDO:0013602, OMIM 614165.
Mitochondrial complex II deficiency, nuclear type 1. Also called: SUCCINATE CoQ REDUCTASE DEFICIENCY. Identifiers: Orphanet 3208, MedGen C5700310, MONDO:0100294, OMIM 252011.
Hereditary pheochromocytoma and paraganglioma. Also called: Hereditary Paraganglioma-Pheochromocytoma Syndromes; Hereditary pheochromocytoma-paraganglioma; Hereditary paragangliomas and pheochromocytomas. Identifiers: Orphanet 29072, MedGen C4274332, MONDO:0017366.
Leigh syndrome (NULS). Also called: Leigh Syndrome (mtDNA deletion); Leigh's necrotizing encephalopathy; Leigh's disease; Leigh's syndrome; Leigh Disease; Subacute necrotizing encephalopathy. Identifiers: Orphanet 506, MedGen C2931891, MONDO:0009723, OMIM 256000.
Dilated cardiomyopathy 1GG (CMD1GG). Identifiers: Orphanet 154, MedGen C3150898, MONDO:0013339, OMIM 613642.

Allele frequency attached by ClinVar (database versions not stated): TOPMed 0.00001; ESP Exome Variant Server 0.00008.

Submissions (9):

PreventionGenetics, part of Exact Sciences
Classification: Uncertain significance for SDHA-related condition. Last evaluated: 2026-06-09. Review status: criteria provided, single submitter. Criteria: ACMG Guidelines, 2015. Collection method: clinical testing. Allele origin: germline.
Comment: The SDHA c.1177G>A variant is predicted to result in the amino acid substitution p.Val393Met. This variant was reported in an individual with a carotid paraganglioma (eTable 1 in Bausch et al. 2017. PubMed ID: 28384794). This variant is reported in 0.0058% of alleles in individuals of Latino descent in gnomAD and has conflicting interpretations in ClinVar ranging from likely benign to uncertain (Variation ID: 818500). At this time, the clinical significance of this variant is uncertain due to the absence of conclusive functional and genetic evidence.

Labcorp Genetics (formerly Invitae), Labcorp
Classification: Uncertain significance for Pheochromocytoma/paraganglioma syndrome 5; Mitochondrial complex II deficiency, nuclear type 1. Last evaluated: 2025-12-15. Review status: criteria provided, single submitter. Criteria: Invitae Variant Classification Sherloc (09022015). Collection method: clinical testing. Allele origin: germline.
Comment: This sequence change replaces valine, which is neutral and non-polar, with methionine, which is neutral and non-polar, at codon 393 of the SDHA protein (p.Val393Met). This variant is present in population databases (rs372989971, gnomAD 0.006%). This missense change has been observed in individual(s) with paraganglioma (PMID: 28384794). ClinVar contains an entry for this variant (Variation ID: 818500). Invitae Evidence Modeling of protein sequence and biophysical properties (such as structural, functional, and spatial information, amino acid conservation, physicochemical variation, residue mobility, and thermodynamic stability) has been performed for this missense variant. However, the output from this modeling did not meet the statistical confidence thresholds required to predict the impact of this variant on SDHA protein function. In summary, the available evidence is currently insufficient to determine the role of this variant in disease. Therefore, it has been classified as a Variant of Uncertain Significance.

GeneDx
Classification: Uncertain significance. Last evaluated: 2025-08-12. Review status: criteria provided, single submitter. Criteria: GeneDx Variant Classification Process June 2021. Collection method: clinical testing. Allele origin: germline. Affected: yes.
Comment: Reported as heterozygous in an adult individual with paraganglioma and classified as a variant of uncertain significance by the authors (PMID: 28384794); Not observed at significant frequency in large population cohorts (gnomAD); In silico analysis supports that this missense variant has a deleterious effect on protein structure/function; This variant is associated with the following publications: (PMID: 29978154, 28384794)

Ambry Genetics
Classification: Uncertain significance for Hereditary cancer-predisposing syndrome. Last evaluated: 2025-02-11. Review status: criteria provided, single submitter. Criteria: Ambry Variant Classification Scheme 2023. Collection method: clinical testing. Allele origin: germline.
Comment: The p.V393M variant (also known as c.1177G>A), located in coding exon 9 of the SDHA gene, results from a G to A substitution at nucleotide position 1177. The valine at codon 393 is replaced by methionine, an amino acid with highly similar properties. This amino acid position is highly conserved in available vertebrate species. In addition, this alteration is predicted to be deleterious by in silico analysis. Since supporting evidence is limited at this time, the clinical significance of this alteration remains unclear.

Baylor Genetics
Classification: Uncertain significance for Dilated cardiomyopathy 1GG. Last evaluated: 2024-03-04. Review status: criteria provided, single submitter. Criteria: ACMG Guidelines, 2015. Collection method: clinical testing. Allele origin: unknown.

Quest Diagnostics Nichols Institute San Juan Capistrano
Classification: Uncertain significance. Last evaluated: 2023-05-31. Review status: criteria provided, single submitter. Criteria: Quest Diagnostics criteria. Collection method: clinical testing. Allele origin: unknown.
Comment: In the published literature, this variant has been reported in an individual with personal history of a carotid paraganglioma (PMID: 28384794 (2017)). The frequency of this variant in the general population, 0.000012 (3/251388 chromosomes (Genome Aggregation Database)), is uninformative in the assessment of its pathogenicity. Analysis of this variant using bioinformatics tools for the prediction of the effect of amino acid changes on protein structure and function yielded predictions that this variant is damaging. Based on the available information, we are unable to determine the clinical significance of this variant.

Illumina Laboratory Services, Illumina
Classification: Uncertain significance for Mitochondrial complex II deficiency, nuclear type 1. Last evaluated: 2018-01-12. Review status: criteria provided, single submitter. Criteria: ICSL Variant Classification Criteria 13 December 2019. Collection method: clinical testing. Allele origin: germline.

Illumina Laboratory Services, Illumina
Classification: Likely benign for Hereditary Paraganglioma-Pheochromocytoma Syndromes. Last evaluated: 2018-01-12. Review status: criteria provided, single submitter. Criteria: ICSL Variant Classification Criteria 13 December 2019. Collection method: clinical testing. Allele origin: germline.
Comment: This variant was observed in the ICSL laboratory as part of a predisposition screen in an ostensibly healthy population. It had not been previously curated by ICSL or reported in the Human Gene Mutation Database (HGMD: prior to June 1st, 2018), and was therefore a candidate for classification through an automated scoring system. Utilizing variant allele frequency, disease prevalence and penetrance estimates, and inheritance mode, an automated score was calculated to assess if this variant is too frequent to cause the disease. Based on the score and internal cut-off values, a variant classified as likely benign is not then subjected to further curation. The score for this variant resulted in a classification of likely benign for this disease.

Illumina Laboratory Services, Illumina
Classification: Uncertain significance for Leigh syndrome. Last evaluated: 2018-01-12. Review status: criteria provided, single submitter. Criteria: ICSL Variant Classification Criteria 13 December 2019. Collection method: clinical testing. Allele origin: germline.

Literature cited by the submitters: PubMed 28384794 (cited by 3 submitters).

NM_004168.4(SDHA):c.1177G>A (p.Val393Met)

Gene: SDHA (succinate dehydrogenase complex flavoprotein subunit A; plus strand). Cytogenetic location: 5p15.33.
Variant type: single nucleotide variant.
Coding change: c.1177G>A on transcript NM_004168.4 (MANE Select); coding-DNA position 1177, G replaced by A.
Protein change: p.Val393Met; replaces valine 393 with methionine.
Molecular consequence: missense variant.
Genome position (GRCh38, 1-based): chr5:235,256, G>A. VCF-style: chr5-235256-G-A. GRCh37 (hg19) VCF-style: chr5-235371-G-A.
Other names: c.1033G>A, p.Val345Met (NM_001294332.2); c.1177G>A, p.Val393Met (NM_001330758.2); short protein forms V345M, V393M.
Identifiers: ClinVar variation 818500 (VCV000818500.19), dbSNP rs372989971, ClinGen allele CA3173130.